The following is an entry in ClinVar:

NM_001365536.1(SCN9A):c.4476G>T (p.Lys1492Asn)

Genes: SCN1A-AS1 (SCN1A and SCN9A antisense RNA 1; plus strand), SCN9A (sodium voltage-gated channel alpha subunit 9; minus strand). Cytogenetic location: 2q24.3.
Variant type: single nucleotide variant.
Coding change: c.4476G>T on transcript NM_001365536.1 (MANE Select); coding-DNA position 4476, G replaced by T.
Protein change: p.Lys1492Asn; replaces lysine 1492 with asparagine.
Molecular consequence: missense variant.
Genome position (GRCh38, 1-based): chr2:166,204,387, C>A on the plus strand (G>T on the coding strand, the complement: SCN9A is on the minus strand). VCF-style: chr2-166204387-C-A. GRCh37 (hg19) VCF-style: chr2-167060897-C-A.
Other names: c.4443G>T, p.Lys1481Asn (NM_002977.4); short protein forms K1481N, K1492N.
Identifiers: ClinVar variation 245847 (VCV000245847.2), dbSNP rs879253974, ClinGen allele CA10584164.
Genomic context (GRCh38, chr2:166,204,387, plus strand): 5'-ATCTATATGCTAAAGATATATATATTTTTTTACCCCTGGTCGAGGAATTGGCTTTTGTGG[C>A]TTCTTGGACCCCAGCTTTTTCATTGCATTATAGTATTTCTTCTGTTCTTCTGTCATAAAG-3'
Protein context (NP_001352465.1, residues 1482-1502): YNAMKKLGSK[Lys1492Asn]PQKPIPRPGN

ClinVar aggregate classification (germline): Uncertain significance (1 of 4 stars; one submission).

Allele frequency attached by ClinVar (database versions not stated): gnomAD exomes below 0.00001.
gnomAD v4.1: 4 of 1,609,540 alleles (0.00025%); highest among the groups gnomAD compares: Middle Eastern, 0.017%; no homozygotes.

Submission:

GeneDx
Classification: Uncertain significance. Last evaluated: 2015-07-31. Review status: criteria provided, single submitter. Criteria: GeneDx Variant Classification (06012015). Collection method: clinical testing. Allele origin: germline. Affected: yes.
Comment: The K1481N variant has not been published as pathogenic, nor has it been reported as a benign polymorphism to our knowledge. It was not observed in approximately 6,400 individuals of European and African American ancestry in the NHLBI Exome Sequencing Project, indicating it is not a common benign variant in these populations. The K1481N variant is a semi-conservative amino acid substitution, which may impact secondary protein structure as these residues differ in some properties. This substitution occurs at a conserved position in the predicted cytoplasmic loop between the third and forth homologous domains, and in silico analysis predicts this variant is probably damaging to the protein structure/function. However, missense variants have not been reported in this region of the protein in association with SCN9A-related neuropathy (Stenson et al., 2014). Therefore, based on the currently available information, it is unclear whether this variant is a pathogenic or a rare benign variant.